The following is an entry in ClinVar:

NM_001035.3(RYR2):c.9625C>A (p.Pro3209Thr)

Gene: RYR2 (ryanodine receptor 2; plus strand). Cytogenetic location: 1q43.
Variant type: single nucleotide variant.
Coding change: c.9625C>A on transcript NM_001035.3 (MANE Select); coding-DNA position 9625, C replaced by A.
Protein change: p.Pro3209Thr; replaces proline 3209 with threonine.
Molecular consequence: missense variant.
Genome position (GRCh38, 1-based): chr1:237,706,993, C>A. VCF-style: chr1-237706993-C-A. GRCh37 (hg19) VCF-style: chr1-237870293-C-A.
Other names: p.P3209T:CCG>ACG; c.9625C>A, p.Pro3209Thr (LRG_402t1); short protein forms P3209T.
Identifiers: ClinVar variation 201296 (VCV000201296.15), dbSNP rs767375014, ClinGen allele CA011270.

ClinVar aggregate classification (germline): Uncertain significance. Review status: criteria provided, multiple submitters, no conflicts (2 of 4 stars). 4 submissions from 4 submitters: Uncertain significance (4). Last evaluated 2025-08-31.

Conditions:
Catecholaminergic polymorphic ventricular tachycardia (CVPT). Also called: Catecholamine-induced polymorphic ventricular tachycardia. Identifiers: Orphanet 3286, MedGen C5574922, MONDO:0017990.
Cardiomyopathy (CMYO). Also called: Cardiomyopathies. Identifiers: Orphanet 167848, MedGen C0878544, MONDO:0004994, HP:0001638. Inheritance: Various modes of inheritance.
Catecholaminergic polymorphic ventricular tachycardia 1. Also called: RYR2-Related Catecholaminergic Polymorphic Ventricular Tachycardia; VENTRICULAR TACHYCARDIA, CATECHOLAMINERGIC POLYMORPHIC, 1, WITH OR WITHOUT ATRIAL DYSFUNCTION AND/OR DILATED CARDIOMYOPATHY; VENTRICULAR TACHYCARDIA, STRESS-INDUCED POLYMORPHIC 1. Identifiers: Orphanet 3286, MedGen C1631597, MONDO:0011484, OMIM 604772.

Allele frequency attached by ClinVar (database versions not stated): ExAC 0.00001; gnomAD exomes 0.00001 and 0.00002; TOPMed 0.00002.
gnomAD v4.1: 29 of 1,613,700 alleles (0.0018%); highest among the groups gnomAD compares: Non-Finnish European, 0.0021%; no homozygotes.

Submissions (4):

Labcorp Genetics (formerly Invitae), Labcorp
Classification: Uncertain significance for Catecholaminergic polymorphic ventricular tachycardia 1. Last evaluated: 2025-08-31. Review status: criteria provided, single submitter. Criteria: Invitae Variant Classification Sherloc (09022015). Collection method: clinical testing. Allele origin: germline.
Comment: This sequence change replaces proline, which is neutral and non-polar, with threonine, which is neutral and polar, at codon 3209 of the RYR2 protein (p.Pro3209Thr). This variant is present in population databases (rs767375014, gnomAD 0.003%). This variant has not been reported in the literature in individuals affected with RYR2-related conditions. ClinVar contains an entry for this variant (Variation ID: 201296). Invitae Evidence Modeling of protein sequence and biophysical properties (such as structural, functional, and spatial information, amino acid conservation, physicochemical variation, residue mobility, and thermodynamic stability) indicates that this missense variant is expected to disrupt RYR2 protein function with a positive predictive value of 95%. In summary, the available evidence is currently insufficient to determine the role of this variant in disease. Therefore, it has been classified as a Variant of Uncertain Significance.

GeneDx
Classification: Uncertain significance. Last evaluated: 2024-09-05. Review status: criteria provided, single submitter. Criteria: GeneDx Variant Classification Process June 2021. Collection method: clinical testing. Allele origin: germline. Affected: yes.
Comment: Observed in two generations of individuals with HCM who also harbored an MYH7 pathogenic variant (PMID: 38540378); Not observed at significant frequency in large population cohorts (gnomAD); In silico analysis supports that this missense variant has a deleterious effect on protein structure/function; Not located in one of the three hot-spot regions of the RYR2 gene, where the majority of pathogenic missense variants occur (PMID: 19926015); This variant is associated with the following publications: (PMID: 19926015, 38540378)

All of Us Research Program, National Institutes of Health
Classification: Uncertain significance for Catecholaminergic polymorphic ventricular tachycardia. Last evaluated: 2024-05-09. Review status: criteria provided, single submitter. Criteria: ACMG Guidelines, 2015. Collection method: clinical testing. Allele origin: germline. Inheritance: Autosomal dominant inheritance. Observed: 6 variant alleles, 6 heterozygotes.
Comment: This variant replaces proline with threonine at codon 3209 of the RYR2 protein. Computational prediction suggests that this variant may have deleterious impact on protein structure and function (internally defined REVEL score threshold >= 0.7, PMID: 27666373). To our knowledge, functional studies have not been reported for this variant. This variant has not been reported in individuals affected with cardiovascular disorders in the literature. This variant has been identified in 2/249010 chromosomes in the general population by the Genome Aggregation Database (gnomAD). The available evidence is insufficient to determine the role of this variant in disease conclusively. Therefore, this variant is classified as a Variant of Uncertain Significance.

This study involves interpretation of variants in research participants for the purpose of population health screening. Participant phenotype was not available at the time of variant classification. Additional details can be found in publication PMID: 35346344, PMCID: PMC8962531

Color Diagnostics, LLC DBA Color Health
Classification: Uncertain significance for Cardiomyopathy. Last evaluated: 2024-03-06. Review status: criteria provided, single submitter. Criteria: ACMG Guidelines, 2015. Collection method: clinical testing. Allele origin: germline.
Comment: This variant replaces proline with threonine at codon 3209 of the RYR2 protein. Computational prediction suggests that this variant may have deleterious impact on protein structure and function (internally defined REVEL score threshold >= 0.7, PMID: 27666373). To our knowledge, functional studies have not been reported for this variant. This variant has not been reported in individuals affected with cardiovascular disorders in the literature. This variant has been identified in 2/249010 chromosomes in the general population by the Genome Aggregation Database (gnomAD). The available evidence is insufficient to determine the role of this variant in disease conclusively. Therefore, this variant is classified as a Variant of Uncertain Significance.